The following is an entry in ClinVar:

NM_198252.3(GSN):c.1921G>T (p.Asp641Tyr)

Gene: GSN (gelsolin; plus strand). Cytogenetic location: 9q33.2.
Variant type: single nucleotide variant.
Coding change: c.1921G>T on transcript NM_198252.3 (MANE Select); coding-DNA position 1921, G replaced by T.
Protein change: p.Asp641Tyr; replaces aspartic acid 641 with tyrosine.
Molecular consequence: missense variant.
Genome position (GRCh38, 1-based): chr9:121,329,271, G>T. VCF-style: chr9-121329271-G-T. GRCh37 (hg19) VCF-style: chr9-124091549-G-T.
Other names: c.2074G>T, p.Asp692Tyr (NM_000177.5); c.1921G>T, p.Asp641Tyr (NM_001127662.2, NM_001127664.2, NM_001127665.2 and 10 more transcripts); c.2029G>T, p.Asp677Tyr (NM_001127663.2); c.1954G>T, p.Asp652Tyr (NM_001127666.2, NM_001127667.2, NM_001353073.2 and 13 more transcripts); c.1972G>T, p.Asp658Tyr (NM_001258029.2); c.1945G>T, p.Asp649Tyr (NM_001258030.2); c.1993G>T, p.Asp665Tyr (NM_001353076.2); c.1267G>T, p.Asp423Tyr (NM_001353078.2); short protein forms D641Y, D649Y, D677Y, D423Y, D652Y, D692Y, D658Y, D665Y.
Identifiers: ClinVar variation 2985357 (VCV002985357.3), dbSNP rs2541343873, ClinGen allele CA374758147.

ClinVar aggregate classification (germline): Uncertain significance (1 of 4 stars; one submission).

gnomAD v4.1: 1 of 1,612,710 alleles (0.000062%); highest among the groups gnomAD compares: Non-Finnish European, 0.000085%; no homozygotes.

Submission:

Labcorp Genetics (formerly Invitae), Labcorp
Classification: Uncertain significance. Last evaluated: 2025-09-08. Review status: criteria provided, single submitter. Criteria: Invitae Variant Classification Sherloc (09022015). Collection method: clinical testing. Allele origin: germline.
Comment: This sequence change replaces aspartic acid, which is acidic and polar, with tyrosine, which is neutral and polar, at codon 692 of the GSN protein (p.Asp692Tyr). This variant is not present in population databases (gnomAD no frequency). This variant has not been reported in the literature in individuals affected with GSN-related conditions. ClinVar contains an entry for this variant (Variation ID: 2985357). Invitae Evidence Modeling of protein sequence and biophysical properties (such as structural, functional, and spatial information, amino acid conservation, physicochemical variation, residue mobility, and thermodynamic stability) indicates that this missense variant is expected to disrupt GSN protein function with a positive predictive value of 80%. In summary, the available evidence is currently insufficient to determine the role of this variant in disease. Therefore, it has been classified as a Variant of Uncertain Significance.